The following is an entry in ClinVar:

ClinVar aggregate classification (germline): Uncertain significance (1 of 4 stars; one submission).

Submission:

GeneDx
Classification: Uncertain significance. Last evaluated: 2023-11-12. Review status: criteria provided, single submitter. Criteria: GeneDx Variant Classification Process June 2021. Collection method: clinical testing. Allele origin: germline. Affected: yes.
Comment: In-frame deletion of 1 amino acids in a non-repeat region; Not observed at significant frequency in large population cohorts (gnomAD); In silico analysis supports a deleterious effect on protein structure/function; Has not been previously published as pathogenic or benign to our knowledge

NM_138927.4(SON):c.5995AGA[1] (p.Arg2000del)

Gene: SON (SON DNA and RNA binding protein; plus strand). Cytogenetic location: 21q22.11.
Variant type: Microsatellite.
Coding change: c.5995AGA[1] on transcript NM_138927.4 (MANE Select); one copy of the 3-base unit AGA starting at c.5995; the reference has two copies in a row; one copy, 3 bases deleted.
Protein change: p.Arg2000del; deletes arginine 2000.
Molecular consequence: non-coding transcript variant (on NR_103797.2). On other transcripts: intron variant (1).
Genome position (GRCh38, 1-based): chr21:33,555,229-33,555,231, AGA deleted; deleting any 3 consecutive bases within chr21:33,555,226-33,555,231 gives the same sequence; the position shown is the placement nearest the transcript's 3' end. VCF-style (leftmost placement, unchanged base first): chr21-33555225-GAGA-G. GRCh37 (hg19) VCF-style: chr21-34927531-GAGA-G.
Other names: c.5995AGA[1], p.Arg2000del (NM_001291411.2, NM_032195.3); c.245-1927_245-1925del (NM_001291412.3); short protein forms R2000del.
Identifiers: ClinVar variation 3363677 (VCV003363677.1).